The following is an entry in ClinVar:

NM_001379200.1(TBX1):c.286G>C (p.Glu96Gln)

Gene: TBX1 (T-box transcription factor 1; plus strand). Cytogenetic location: 22q11.21.
Variant type: single nucleotide variant.
Coding change: c.286G>C on transcript NM_001379200.1 (MANE Select); coding-DNA position 286, G replaced by C.
Protein change: p.Glu96Gln; replaces glutamic acid 96 with glutamine.
Molecular consequence: missense variant.
Genome position (GRCh38, 1-based): chr22:19,761,129, G>C. VCF-style: chr22-19761129-G-C. GRCh37 (hg19) VCF-style: chr22-19748652-G-C.
Other names: c.259G>C, p.Glu87Gln (NM_005992.1, NM_080646.2, NM_080647.1); short protein forms E87Q, E96Q.
Identifiers: ClinVar variation 1016898 (VCV001016898.8), dbSNP rs762629442, ClinGen allele CA10102388.

ClinVar aggregate classification (germline): Uncertain significance (1 of 4 stars; one submission).

Conditions:
DiGeorge syndrome. Also called: THIRD AND FOURTH PHARYNGEAL POUCH SYNDROME; Catch22. Identifiers: Orphanet 567, MedGen C0012236, MONDO:0008564, OMIM 188400.

Allele frequency attached by ClinVar (database versions not stated): gnomAD exomes 0.00002; ExAC 0.00007.
gnomAD v4.1: 1 of 1,348,632 alleles (0.000074%); highest among the groups gnomAD compares: Admixed American, 0.0026%; no homozygotes.

Submission:

Labcorp Genetics (formerly Invitae), Labcorp
Classification: Uncertain significance for DiGeorge syndrome. Last evaluated: 2022-04-06. Review status: criteria provided, single submitter. Criteria: Invitae Variant Classification Sherloc (09022015). Collection method: clinical testing. Allele origin: germline.
Comment: Algorithms developed to predict the effect of missense changes on protein structure and function are either unavailable or do not agree on the potential impact of this missense change (SIFT: "Tolerated"; PolyPhen-2: "Not Available"; Align-GVGD: "Class C0"). In summary, the available evidence is currently insufficient to determine the role of this variant in disease. Therefore, it has been classified as a Variant of Uncertain Significance. ClinVar contains an entry for this variant (Variation ID: 1016898). This sequence change replaces glutamic acid, which is acidic and polar, with glutamine, which is neutral and polar, at codon 87 of the TBX1 protein (p.Glu87Gln). This variant is present in population databases (rs762629442, gnomAD 0.01%). This variant has not been reported in the literature in individuals affected with TBX1-related conditions.